The following is an entry in ClinVar:

NM_021930.6(RINT1):c.1975T>A (p.Leu659Ile)

Genes: EFCAB10 (EF-hand calcium binding domain 10; minus strand), RINT1 (RAD50 interactor 1; plus strand). Cytogenetic location: 7q22.3.
Variant type: single nucleotide variant.
Coding change: c.1975T>A on transcript NM_021930.6 (MANE Select); coding-DNA position 1975, T replaced by A.
Protein change: p.Leu659Ile; replaces leucine 659 with isoleucine.
Molecular consequence: missense variant. On other transcripts: 3 prime UTR variant (3), non-coding transcript variant (1).
Genome position (GRCh38, 1-based): chr7:105,565,365, T>A. VCF-style: chr7-105565365-T-A. GRCh37 (hg19) VCF-style: chr7-105205812-T-A.
Other names: c.*82A>T (NM_001355526.2); c.*184A>T (NM_001355530.2); c.*37A>T (NM_001355531.2); c.1741T>A, p.Leu581Ile (NM_001346599.2); c.952T>A, p.Leu318Ile (NM_001346600.2, NM_001346603.2); c.1051T>A, p.Leu351Ile (NM_001346601.2); short protein forms L351I, L659I, L318I, L581I.
Identifiers: ClinVar variation 2840174 (VCV002840174.3), dbSNP rs2485183628, ClinGen allele CA368814808.

ClinVar aggregate classification (germline): Uncertain significance (1 of 4 stars; one submission).

Submission:

Labcorp Genetics (formerly Invitae), Labcorp
Classification: Uncertain significance. Last evaluated: 2023-04-13. Review status: criteria provided, single submitter. Criteria: Invitae Variant Classification Sherloc (09022015). Collection method: clinical testing. Allele origin: germline.
Comment: In summary, the available evidence is currently insufficient to determine the role of this variant in disease. Therefore, it has been classified as a Variant of Uncertain Significance. An algorithm developed to predict the effect of missense changes on protein structure and function (PolyPhen-2) suggests that this variant is likely to be disruptive. This variant has not been reported in the literature in individuals affected with RINT1-related conditions. This variant is not present in population databases (gnomAD no frequency). This sequence change replaces leucine, which is neutral and non-polar, with isoleucine, which is neutral and non-polar, at codon 659 of the RINT1 protein (p.Leu659Ile).